The following is an entry in ClinVar:

ClinVar aggregate classification (germline): Benign (1 of 4 stars; one submission).

Submission:

CeGaT Center for Human Genetics Tuebingen
Classification: Benign. Last evaluated: 2023-10-01. Review status: criteria provided, single submitter. Criteria: CeGaT Center For Human Genetics Tuebingen Variant Classification Criteria Version 2. Collection method: clinical testing. Allele origin: germline. Affected: yes. Observed: 2 variant alleles.
Comment: NBPF10: BS1, BS2

NM_001302371.3(NBPF10):c.9356A>G (p.Lys3119Arg)

Gene: NBPF10 (NBPF member 10; minus strand). Cytogenetic location: 1q21.1.
Variant type: single nucleotide variant.
Coding change: c.9356A>G on transcript NM_001302371.3 (MANE Select); coding-DNA position 9356, A replaced by G.
Protein change: p.Lys3119Arg; replaces lysine 3119 with arginine.
Molecular consequence: missense variant.
Genome position (GRCh38, 1-based): chr1:146,078,278, T>C on the plus strand (A>G on the coding strand, the complement: NBPF10 is on the minus strand). VCF-style: chr1-146078278-T-C. GRCh37 (hg19) VCF-style: chr1-145359916-A-G.
Other names: c.9356A>G, p.Lys3119Arg (NM_001039703.6); short protein forms K3119R.
Identifiers: ClinVar variation 2639102 (VCV002639102.24), dbSNP rs1553780911, ClinGen allele CA342180830.